The following is an entry in ClinVar:

NM_006231.4(POLE):c.5794C>T (p.Arg1932Cys)

Gene: POLE (DNA polymerase epsilon, catalytic subunit; minus strand). Cytogenetic location: 12q24.33.
Variant type: single nucleotide variant.
Coding change: c.5794C>T on transcript NM_006231.4 (MANE Select); coding-DNA position 5794, C replaced by T.
Protein change: p.Arg1932Cys; replaces arginine 1932 with cysteine.
Molecular consequence: missense variant.
Genome position (GRCh38, 1-based): chr12:132,635,909, G>A on the plus strand (C>T on the coding strand, the complement: POLE is on the minus strand). VCF-style: chr12-132635909-G-A. GRCh37 (hg19) VCF-style: chr12-133212495-G-A.
Other names: short protein forms R1932C.
Identifiers: ClinVar variation 246233 (VCV000246233.18), dbSNP rs879254168, ClinGen allele CA10584405.

ClinVar aggregate classification (germline): Conflicting classifications of pathogenicity. Review status: criteria provided, conflicting classifications (1 of 4 stars). 5 submissions from 5 submitters: Uncertain significance (3); Likely benign (1). 1 of the submissions does not count toward it. Last evaluated 2025-11-14.

Conditions:
Facial dysmorphism-immunodeficiency-livedo-short stature syndrome. Also called: Facial dysmorphism, immunodeficiency, livedo, and short stature; FILS syndrome. Identifiers: Orphanet 352712, MedGen C3554576, MONDO:0014058, OMIM 615139.
Intrauterine growth retardation, metaphyseal dysplasia, adrenal hypoplasia congenita, genital anomalies, and immunodeficiency. Also called: IMAGEI SYNDROME. Identifiers: MedGen C5193036, MONDO:0032684, OMIM 618336.
Colorectal cancer, susceptibility to, 12 (CRCS12). Also called: COLORECTAL CANCER, SUSCEPTIBILITY TO, ON CHROMOSOME 12q24. Identifiers: Orphanet 220460, MedGen C3554460, MONDO:0014038, OMIM 615083.
Hereditary cancer-predisposing syndrome. Also called: Hereditary neoplastic syndrome; Neoplastic Syndromes, Hereditary; Tumor predisposition; Hereditary Cancer Syndrome. Identifiers: Orphanet 140162, MedGen C0027672, MeSH D009386, MONDO:0015356.
POLE-related disorder. Also called: POLE-related disorders; POLE-related condition.

Allele frequency attached by ClinVar (database versions not stated): gnomAD exomes 0.00001; TOPMed 0.00001.
gnomAD v4.1: 16 of 1,613,508 alleles (0.00099%); highest among the groups gnomAD compares: Non-Finnish European, 0.0014%; no homozygotes.

Submissions (5):

Labcorp Genetics (formerly Invitae), Labcorp
Classification: Uncertain significance. Last evaluated: 2025-11-14. Review status: criteria provided, single submitter. Criteria: Invitae Variant Classification Sherloc (09022015). Collection method: clinical testing. Allele origin: germline.
Comment: This sequence change replaces arginine, which is basic and polar, with cysteine, which is neutral and slightly polar, at codon 1932 of the POLE protein (p.Arg1932Cys). This variant is not present in population databases (gnomAD no frequency). This variant has not been reported in the literature in individuals affected with POLE-related conditions. ClinVar contains an entry for this variant (Variation ID: 246233). Invitae Evidence Modeling of protein sequence and biophysical properties (such as structural, functional, and spatial information, amino acid conservation, physicochemical variation, residue mobility, and thermodynamic stability) indicates that this missense variant is not expected to disrupt POLE protein function with a negative predictive value of 80%. In summary, the available evidence is currently insufficient to determine the role of this variant in disease. Therefore, it has been classified as a Variant of Uncertain Significance.

GeneDx
Classification: Uncertain significance. Last evaluated: 2025-03-19. Review status: criteria provided, single submitter. Criteria: GeneDx Variant Classification Process June 2021. Collection method: clinical testing. Allele origin: germline. Affected: yes.
Comment: Not observed at significant frequency in large population cohorts (gnomAD); In silico analysis indicates that this missense variant does not alter protein structure/function; Has not been previously published as germline pathogenic or benign to our knowledge; This variant is associated with the following publications: (PMID: 25759019, 31829442)

Ambry Genetics
Classification: Likely benign for Hereditary cancer-predisposing syndrome. Last evaluated: 2025-01-14. Review status: criteria provided, single submitter. Criteria: Ambry Variant Classification Scheme 2023. Collection method: clinical testing. Allele origin: germline.

Fulgent Genetics
Classification: Uncertain significance for Colorectal cancer, susceptibility to, 12; Facial dysmorphism-immunodeficiency-livedo-short stature syndrome; Intrauterine growth retardation, metaphyseal dysplasia, adrenal hypoplasia congenita, genital anomalies, and immunodeficiency. Last evaluated: 2024-01-19. Review status: criteria provided, single submitter. Criteria: ACMG Guidelines, 2015. Collection method: clinical testing. Allele origin: germline.

PreventionGenetics, part of Exact Sciences
Classification: Uncertain significance for POLE-related condition. Last evaluated: 2023-12-21. Review status: no assertion criteria provided. Collection method: clinical testing. Allele origin: germline. Not counted in ClinVar's aggregate classification.
Comment: The POLE c.5794C>T variant is predicted to result in the amino acid substitution p.Arg1932Cys. To our knowledge, this variant has not been reported in the literature or in a large population database, indicating this variant is rare. In ClinVar, this variant is interpreted as uncertain. At this time, the clinical significance of this variant is uncertain due to the absence of conclusive functional and genetic evidence.